The following is an entry in ClinVar:

NM_003014.4(SFRP4):c.786C>T (p.Arg262=)

Gene: SFRP4 (secreted frizzled related protein 4; minus strand). Cytogenetic location: 7p14.1.
Variant type: single nucleotide variant.
Coding change: c.786C>T on transcript NM_003014.4 (MANE Select); coding-DNA position 786, C replaced by T.
Protein change: p.Arg262=; no amino-acid change (arginine 262 retained).
Molecular consequence: synonymous variant.
Genome position (GRCh38, 1-based): chr7:37,912,124, G>A on the plus strand (C>T on the coding strand, the complement: SFRP4 is on the minus strand). VCF-style: chr7-37912124-G-A. GRCh37 (hg19) VCF-style: chr7-37951726-G-A.
Other names: c.786C>T (NM_003014.3).
Identifiers: ClinVar variation 1332947 (VCV001332947.12), dbSNP rs1132553, ClinGen allele CA4222741.

ClinVar aggregate classification (germline): Benign. Review status: criteria provided, multiple submitters, no conflicts (2 of 4 stars). 3 submissions from 3 submitters: Benign (2). 1 of the submissions does not count toward it. Last evaluated 2026-02-04.

Conditions:
Pyle metaphyseal dysplasia (PYL). Also called: Metaphyseal dysostosis; Pyle disease. Identifiers: Orphanet 3005, MedGen C0265294, MONDO:0009943, OMIM 265900.
SFRP4-related disorder. Also called: SFRP4-related condition.

Allele frequency attached by ClinVar (database versions not stated): 1000 Genomes Project 0.43910; ExAC 0.53314; ESP Exome Variant Server 0.56597; gnomAD exomes 0.53473 and 0.57042; gnomAD 0.53938 and 0.54626; TOPMed 0.54097; 1000 Genomes Project 30x 0.44160.
gnomAD v4.1: 914,256 of 1,611,562 alleles (57%); highest among the groups gnomAD compares: Non-Finnish European, 59%; 262,640 homozygotes.

Submissions (3):

Labcorp Genetics (formerly Invitae), Labcorp
Classification: Benign. Last evaluated: 2026-02-04. Review status: criteria provided, single submitter. Criteria: Invitae Variant Classification Sherloc (09022015). Collection method: clinical testing. Allele origin: germline.

Genome-Nilou Lab
Classification: Benign for Pyle metaphyseal dysplasia. Last evaluated: 2021-07-15. Review status: criteria provided, single submitter. Criteria: ACMG Guidelines, 2015. Collection method: clinical testing. Allele origin: germline. Affected: no.

PreventionGenetics, part of Exact Sciences
Classification: Benign for SFRP4-related condition. Last evaluated: 2019-10-17. Review status: no assertion criteria provided. Collection method: clinical testing. Allele origin: germline. Not counted in ClinVar's aggregate classification.
Comment: This variant is classified as benign based on ACMG/AMP sequence variant interpretation guidelines (Richards et al. 2015 PMID: 25741868, with internal and published modifications).